The following is an entry in ClinVar:

ClinVar aggregate classification (germline): Uncertain significance (1 of 4 stars; one submission).

Conditions:
Nemaline myopathy 6 (NEM6). Also called: Nemaline myopathy 6, autosomal dominant. Identifiers: Orphanet 171439, MedGen C1836472, MONDO:0012237, OMIM 609273.

Submission:

Labcorp Genetics (formerly Invitae), Labcorp
Classification: Uncertain significance for Nemaline myopathy 6. Last evaluated: 2026-01-19. Review status: criteria provided, single submitter. Criteria: Invitae Variant Classification Sherloc (09022015). Collection method: clinical testing. Allele origin: germline.
Comment: This sequence change replaces glutamic acid, which is acidic and polar, with lysine, which is basic and polar, at codon 98 of the KBTBD13 protein (p.Glu98Lys). This variant is present in population databases (rs752222694, gnomAD 0.01%). This variant has not been reported in the literature in individuals affected with KBTBD13-related conditions. ClinVar contains an entry for this variant (Variation ID: 1413038). Invitae Evidence Modeling of protein sequence and biophysical properties (such as structural, functional, and spatial information, amino acid conservation, physicochemical variation, residue mobility, and thermodynamic stability) indicates that this missense variant is not expected to disrupt KBTBD13 protein function with a negative predictive value of 80%. In summary, the available evidence is currently insufficient to determine the role of this variant in disease. Therefore, it has been classified as a Variant of Uncertain Significance.

NM_001101362.3(KBTBD13):c.292G>A (p.Glu98Lys)

Gene: KBTBD13 (kelch repeat and BTB domain containing 13; plus strand). Cytogenetic location: 15q22.31.
Variant type: single nucleotide variant.
Coding change: c.292G>A on transcript NM_001101362.3 (MANE Select); coding-DNA position 292, G replaced by A.
Protein change: p.Glu98Lys; replaces glutamic acid 98 with lysine.
Molecular consequence: missense variant.
Genome position (GRCh38, 1-based): chr15:65,077,107, G>A. VCF-style: chr15-65077107-G-A. GRCh37 (hg19) VCF-style: chr15-65369445-G-A.
Other names: short protein forms E98K.
Identifiers: ClinVar variation 1413038 (VCV001413038.8), dbSNP rs752222694, ClinGen allele CA271503302.